The following is an entry in ClinVar:

ClinVar aggregate classification (germline): Likely benign (1 of 4 stars; one submission).

Allele frequency attached by ClinVar (database versions not stated): gnomAD exomes below 0.00001.
gnomAD v4.1: 1 of 1,207,879 alleles (0.000083%); highest among the groups gnomAD compares: Middle Eastern, 0.023%; no homozygotes.

Submission:

CeGaT Center for Human Genetics Tuebingen
Classification: Likely benign. Last evaluated: 2024-02-01. Review status: criteria provided, single submitter. Criteria: CeGaT Center For Human Genetics Tuebingen Variant Classification Criteria Version 2. Collection method: clinical testing. Allele origin: germline. Affected: yes. Observed: 1 variant allele.
Comment: ZDHHC9: BP4

NM_016032.4(ZDHHC9):c.885G>A (p.Val295=)

Gene: ZDHHC9 (zDHHC palmitoyltransferase 9; minus strand). Cytogenetic location: Xq26.1.
Variant type: single nucleotide variant.
Coding change: c.885G>A on transcript NM_016032.4 (MANE Select); coding-DNA position 885, G replaced by A.
Protein change: p.Val295=; no amino-acid change (valine 295 retained).
Molecular consequence: synonymous variant.
Genome position (GRCh38, 1-based): chrX:129,810,998, C>T on the plus strand (G>A on the coding strand, the complement: ZDHHC9 is on the minus strand). VCF-style: chrX-129810998-C-T. GRCh37 (hg19) VCF-style: chrX-128944974-C-T.
Other names: c.885G>A, p.Val295= (NM_001008222.3).
Identifiers: ClinVar variation 3027189 (VCV003027189.22), dbSNP rs1389691902, ClinGen allele CA518478017.
Genomic context (GRCh38, chrX:129,810,998, plus strand): 5'-TTGAGTACTGGGAGGTCGACTTCCACTTTCCTCCAGTGGCAAAATACCCCTTCGATCCAG[C>T]ACACTGAAGGAGATAAGAGAGTTAACAAAGAACTGGGCATTCACCCCTCCACCCACCTGG-3'
Protein context (NP_057116.2, residues 285-305): EVLCGPLPPS[Val295=]LDRRGILPLE